The following is an entry in ClinVar:

NM_006846.4(SPINK5):c.1339G>T (p.Gly447Ter)

Gene: SPINK5 (serine peptidase inhibitor Kazal type 5; plus strand). Cytogenetic location: 5q32.
Variant type: single nucleotide variant.
Coding change: c.1339G>T on transcript NM_006846.4 (MANE Select); coding-DNA position 1339, G replaced by T.
Protein change: p.Gly447Ter; replaces glycine 447 with a stop codon.
Molecular consequence: nonsense.
Genome position (GRCh38, 1-based): chr5:148,101,817, G>T. VCF-style: chr5-148101817-G-T. GRCh37 (hg19) VCF-style: chr5-147481380-G-T.
Other names: c.1339G>T, p.Gly447Ter (NM_001127698.2, NM_001127699.2); short protein forms G447*.
Identifiers: ClinVar variation 2097455 (VCV002097455.4), dbSNP rs765752936, ClinGen allele CA3495567.
Genomic context (GRCh38, chr5:148,101,817, plus strand): 5'-CAACTTCCTGCCTCAATTTCACAGGAGTTGTGTAGTGAATACCGCAAATCCAGGAAAAAC[G>T]GACGGCTTTTTTGCACCAGAGAGAATGACCCCATCCAGGGCCCAGATGGAAAAATGCATG-3'

ClinVar aggregate classification (germline): Pathogenic (1 of 4 stars; one submission).

Conditions:
Ichthyosis linearis circumflexa. Identifiers: MedGen C0265962, MONDO:0043106, HP:0025810.

gnomAD v4.1: 12 of 1,613,720 alleles (0.00074%); highest among the groups gnomAD compares: Non-Finnish European, 0.001%; no homozygotes.

Submission:

Labcorp Genetics (formerly Invitae), Labcorp
Classification: Pathogenic for Ichthyosis linearis circumflexa. Last evaluated: 2022-02-13. Review status: criteria provided, single submitter. Criteria: Invitae Variant Classification Sherloc (09022015). Collection method: clinical testing. Allele origin: germline.
Comment: For these reasons, this variant has been classified as Pathogenic. This variant has not been reported in the literature in individuals affected with SPINK5-related conditions. This variant is present in population databases (rs765752936, gnomAD 0.0009%). This sequence change creates a premature translational stop signal (p.Gly447*) in the SPINK5 gene. It is expected to result in an absent or disrupted protein product. Loss-of-function variants in SPINK5 are known to be pathogenic (PMID: 11511292, 11841556).

Literature cited by the submitters: PubMed 11511292; PubMed 11841556.